The following is an entry in ClinVar:

ClinVar aggregate classification (germline): Uncertain significance (1 of 4 stars; one submission).

Submission:

GeneDx
Classification: Uncertain significance. Last evaluated: 2024-03-07. Review status: criteria provided, single submitter. Criteria: GeneDx Variant Classification Process June 2021. Collection method: clinical testing. Allele origin: germline. Affected: yes.
Comment: Not observed at significant frequency in large population cohorts (gnomAD); In silico analysis supports that this missense variant has a deleterious effect on protein structure/function; Has not been previously published as pathogenic or benign to our knowledge

NM_021098.3(CACNA1H):c.1225T>G (p.Phe409Val)

Gene: CACNA1H (calcium voltage-gated channel subunit alpha1 H; plus strand). Cytogenetic location: 16p13.3.
Variant type: single nucleotide variant.
Coding change: c.1225T>G on transcript NM_021098.3 (MANE Select); coding-DNA position 1225, T replaced by G.
Protein change: p.Phe409Val; replaces phenylalanine 409 with valine.
Molecular consequence: missense variant.
Genome position (GRCh38, 1-based): chr16:1,201,675, T>G. VCF-style: chr16-1201675-T-G. GRCh37 (hg19) VCF-style: chr16-1251675-T-G.
Other names: c.1225T>G, p.Phe409Val (NM_001005407.2); short protein forms F409V.
Identifiers: ClinVar variation 3370713 (VCV003370713.1).
Genomic context (GRCh38, chr16:1,201,675, plus strand): 5'-CAGAGACTCGCTCACTCACTGCCACTTACCCGCCCGCCCCCGTCACAGGTGGGCTCCTTC[T>G]TCATGATCAACCTGTGCCTGGTGGTGATTGCCACGCAGTTCTCGGAGACGAAGCAGCGGG-3'
Protein context (NP_066921.2, residues 399-419): FILLIIVGSF[Phe409Val]MINLCLVVIA